The following is an entry in ClinVar:

NM_020631.6(PLEKHG5):c.2457C>T (p.Tyr819=)

Gene: PLEKHG5 (pleckstrin homology and RhoGEF domain containing G5; minus strand). Cytogenetic location: 1p36.31.
Variant type: single nucleotide variant.
Coding change: c.2457C>T on transcript NM_020631.6 (MANE Select); coding-DNA position 2457, C replaced by T.
Protein change: p.Tyr819=; no amino-acid change (tyrosine 819 retained).
Molecular consequence: synonymous variant.
Genome position (GRCh38, 1-based): chr1:6,468,379, G>A on the plus strand (C>T on the coding strand, the complement: PLEKHG5 is on the minus strand). VCF-style: chr1-6468379-G-A. GRCh37 (hg19) VCF-style: chr1-6528439-G-A.
Other names: c.2568C>T, p.Tyr856= (NM_001042663.3, NM_001265592.2); c.2457C>T, p.Tyr819= (NM_001042664.2, NM_001042665.2, NM_001265594.3 and 1 more transcripts); c.2664C>T, p.Tyr888= (NM_001265593.2).
Identifiers: ClinVar variation 297942 (VCV000297942.20), dbSNP rs184541137, ClinGen allele CA561152.

ClinVar aggregate classification (germline): Conflicting classifications of pathogenicity. Review status: criteria provided, conflicting classifications (1 of 4 stars). 7 submissions from 7 submitters: Uncertain significance (1); Likely benign (6). Last evaluated 2025-12-09.

Conditions:
Inborn genetic diseases. Identifiers: MedGen C0950123, MeSH D030342.
Neuronopathy, distal hereditary motor, autosomal recessive 4. Also called: NEUROPATHY, DISTAL HEREDITARY MOTOR, AUTOSOMAL RECESSIVE 4; Autosomal recessive lower motor neuron disease with childhood onset. Identifiers: Orphanet 206580, MedGen C1970211, MONDO:0012608, OMIM 611067.
PLEKHG5-related disorder. Also called: PLEKHG5-related condition.
Charcot-Marie-Tooth disease recessive intermediate C. Also called: CHARCOT-MARIE-TOOTH NEUROPATHY, RECESSIVE INTERMEDIATE C. Identifiers: Orphanet 369867, MedGen C3809309, MONDO:0014154, OMIM 615376.

Allele frequency attached by ClinVar (database versions not stated): ESP Exome Variant Server 0.00008; TOPMed 0.00008; gnomAD 0.00010 and 0.00011; 1000 Genomes Project 30x 0.00016; gnomAD exomes 0.00017 and 0.00018; 1000 Genomes Project 0.00020; ExAC 0.00026.
gnomAD v4.1: 277 of 1,609,470 alleles (0.017%); highest among the groups gnomAD compares: East Asian, 0.13%; 1 homozygote.

Submissions (7):

Labcorp Genetics (formerly Invitae), Labcorp
Classification: Likely benign for Neuronopathy, distal hereditary motor, autosomal recessive 4; Charcot-Marie-Tooth disease recessive intermediate C. Last evaluated: 2025-12-09. Review status: criteria provided, single submitter. Criteria: Invitae Variant Classification Sherloc (09022015). Collection method: clinical testing. Allele origin: germline.

Women's Health and Genetics/Laboratory Corporation of America, LabCorp
Classification: Likely benign. Last evaluated: 2025-09-04. Review status: criteria provided, single submitter. Criteria: LabCorp Variant Classification Summary - May 2015. Collection method: clinical testing. Allele origin: germline.

PreventionGenetics, part of Exact Sciences
Classification: Likely benign for PLEKHG5-related condition. Last evaluated: 2025-04-29. Review status: criteria provided, single submitter. Criteria: ACMG Guidelines, 2015. Collection method: clinical testing. Allele origin: germline.
Comment: This variant is classified as likely benign based on ACMG/AMP sequence variant interpretation guidelines (Richards et al. 2015 PMID: 25741868, with internal and published modifications).

Blueprint Genetics
Classification: Likely benign. Last evaluated: 2024-10-16. Review status: criteria provided, single submitter. Criteria: ACMG Guidelines, 2015. Collection method: clinical testing. Allele origin: germline.

Ambry Genetics
Classification: Likely benign for Inborn genetic diseases. Last evaluated: 2019-07-11. Review status: criteria provided, single submitter. Criteria: Ambry Variant Classification Scheme 2023. Collection method: clinical testing. Allele origin: germline.

Illumina Laboratory Services, Illumina
Classification: Uncertain significance for Neuronopathy, distal hereditary motor, autosomal recessive 4. Last evaluated: 2018-01-12. Review status: criteria provided, single submitter. Criteria: ICSL Variant Classification Criteria 13 December 2019. Collection method: clinical testing. Allele origin: germline.

GeneDx
Classification: Likely benign. Last evaluated: 2016-01-21. Review status: criteria provided, single submitter. Criteria: GeneDx Variant Classification (06012015). Collection method: clinical testing. Allele origin: germline. Affected: yes.
Comment: This variant is considered likely benign or benign based on one or more of the following criteria: it is a conservative change, it occurs at a poorly conserved position in the protein, it is predicted to be benign by multiple in silico algorithms, and/or has population frequency not consistent with disease.